The following is an entry in ClinVar:

ClinVar aggregate classification (germline): Uncertain significance (1 of 4 stars; one submission).

Conditions:
Predisposition to invasive fungal disease due to CARD9 deficiency (IMD103). Also called: IMMUNODEFICIENCY 103, SUSCEPTIBILITY TO FUNGAL INFECTIONS; CARD9 IMMUNODEFICIENCY; Candidiasis, familial, 2, autosomal recessive. Identifiers: Orphanet 457088, MedGen C1859353, MONDO:0008905, OMIM 212050.

Allele frequency attached by ClinVar (database versions not stated): gnomAD exomes below 0.00001 and 0.00001; ExAC 0.00001; gnomAD 0.00001.
gnomAD v4.1: 8 of 1,598,686 alleles (0.0005%); highest among the groups gnomAD compares: East Asian, 0.009%; no homozygotes.

Submission:

Labcorp Genetics (formerly Invitae), Labcorp
Classification: Uncertain significance for Predisposition to invasive fungal disease due to CARD9 deficiency. Last evaluated: 2024-02-23. Review status: criteria provided, single submitter. Criteria: Invitae Variant Classification Sherloc (09022015). Collection method: clinical testing. Allele origin: germline.
Comment: This sequence change replaces arginine, which is basic and polar, with cysteine, which is neutral and slightly polar, at codon 204 of the CARD9 protein (p.Arg204Cys). This variant is present in population databases (rs756583189, gnomAD 0.02%). This missense change has been observed in individual(s) with clinical features of CARD9-related conditions (PMID: 34234782). ClinVar contains an entry for this variant (Variation ID: 1412616). Advanced modeling of protein sequence and biophysical properties (such as structural, functional, and spatial information, amino acid conservation, physicochemical variation, residue mobility, and thermodynamic stability) performed at Invitae indicates that this missense variant is expected to disrupt CARD9 protein function with a positive predictive value of 80%. In summary, the available evidence is currently insufficient to determine the role of this variant in disease. Therefore, it has been classified as a Variant of Uncertain Significance.

Literature cited by the submitters: PubMed 34234782.

NM_052813.5(CARD9):c.610C>T (p.Arg204Cys)

Gene: CARD9 (caspase recruitment domain family member 9; minus strand). Cytogenetic location: 9q34.3.
Variant type: single nucleotide variant.
Coding change: c.610C>T on transcript NM_052813.5 (MANE Select); coding-DNA position 610, C replaced by T.
Protein change: p.Arg204Cys; replaces arginine 204 with cysteine.
Molecular consequence: missense variant.
Genome position (GRCh38, 1-based): chr9:136,370,858, G>A on the plus strand (C>T on the coding strand, the complement: CARD9 is on the minus strand). VCF-style: chr9-136370858-G-A. GRCh37 (hg19) VCF-style: chr9-139265310-G-A.
Other names: c.610C>T, p.Arg204Cys (NM_052814.4); short protein forms R204C.
Identifiers: ClinVar variation 1412616 (VCV001412616.6), dbSNP rs756583189, ClinGen allele CA5333075.